The following is an entry in ClinVar:

ClinVar aggregate classification (germline): Pathogenic. Review status: criteria provided, multiple submitters, no conflicts (2 of 4 stars). 2 submissions from 2 submitters: Pathogenic (2). Last evaluated 2023-10-17.

Conditions:
Neurofibromatosis, type 1 (NF1). Also called: Neurofibromatosis, type I; VON RECKLINGHAUSEN DISEASE; NEUROFIBROMATOSIS, TYPE I, SOMATIC; Peripheral type neurofibromatosis. Identifiers: Orphanet 636, MedGen C0027831, MONDO:0018975, OMIM 162200. Disease mechanism: loss of function.

Submissions (2):

Labcorp Genetics (formerly Invitae), Labcorp
Classification: Pathogenic for Neurofibromatosis, type 1. Last evaluated: 2023-10-17. Review status: criteria provided, single submitter. Criteria: Invitae Variant Classification Sherloc (09022015). Collection method: clinical testing. Allele origin: germline.
Comment: This sequence change affects an acceptor splice site in intron 35 of the NF1 gene. It is expected to disrupt RNA splicing. Variants that disrupt the donor or acceptor splice site typically lead to a loss of protein function (PMID: 16199547), and loss-of-function variants in NF1 are known to be pathogenic (PMID: 10712197, 23913538). This variant is not present in population databases (gnomAD no frequency). Disruption of this splice site has been observed in individual(s) with neurofibromatosis type 1 (PMID: 10862084). This variant is also known as IVS27b-2A>T. ClinVar contains an entry for this variant (Variation ID: 1214688). Algorithms developed to predict the effect of sequence changes on RNA splicing suggest that this variant may disrupt the consensus splice site. For these reasons, this variant has been classified as Pathogenic.

GeneDx
Classification: Pathogenic. Last evaluated: 2021-05-17. Review status: criteria provided, single submitter. Criteria: GeneDx Variant Classification Process June 2021. Collection method: clinical testing. Allele origin: germline. Affected: yes.
Comment: Canonical splice site variant predicted to result in a null allele in a gene for which loss-of-function is a known mechanism of disease; Not observed in large population cohorts (Lek 2016); This variant is associated with the following publications: (PMID: 16141195, 10862084, 25525159)

Literature cited by the submitters: PubMed 16199547 (cited by Labcorp Genetics (formerly Invitae), Labcorp); PubMed 10712197 (cited by Labcorp Genetics (formerly Invitae), Labcorp); PubMed 23913538 (cited by Labcorp Genetics (formerly Invitae), Labcorp); PubMed 10862084 (cited by Labcorp Genetics (formerly Invitae), Labcorp).

NM_001042492.3(NF1):c.4836-2A>T

Gene: NF1 (neurofibromin 1; plus strand). Cytogenetic location: 17q11.2.
Variant type: single nucleotide variant.
Coding change: c.4836-2A>T on transcript NM_001042492.3 (MANE Select); the canonical splice acceptor site of the intron before coding-DNA position 4836, A replaced by T.
Molecular consequence: splice acceptor variant.
Genome position (GRCh38, 1-based): chr17:31,325,818, A>T. VCF-style: chr17-31325818-A-T. GRCh37 (hg19) VCF-style: chr17-29652836-A-T.
Other names: c.4773-2A>T (NM_000267.4).
Identifiers: ClinVar variation 1214688 (VCV001214688.6), dbSNP rs1555533265, ClinGen allele CA399006869.